The following is an entry in ClinVar:

NM_199420.4(POLQ):c.6475G>T (p.Gly2159Cys)

Gene: POLQ (DNA polymerase theta; minus strand). Cytogenetic location: 3q13.33.
Variant type: single nucleotide variant.
Coding change: c.6475G>T on transcript NM_199420.4 (MANE Select); coding-DNA position 6475, G replaced by T.
Protein change: p.Gly2159Cys; replaces glycine 2159 with cysteine.
Molecular consequence: missense variant.
Genome position (GRCh38, 1-based): chr3:121,473,418, C>A on the plus strand (G>T on the coding strand, the complement: POLQ is on the minus strand). VCF-style: chr3-121473418-C-A. GRCh37 (hg19) VCF-style: chr3-121192265-C-A.
Other names: short protein forms G2159C.
Identifiers: ClinVar variation 3422372 (VCV003422372.1).
Genomic context (GRCh38, chr3:121,473,418, plus strand): 5'-TGCTGAACTGTCTTCCCAGCCTTAGCTTGCGTCCATTGTCAATCCCTCTTCTGGTAGAAC[C>A]CAGAGTTTTCTTGCTGCCTTGGTTTTTCATCTCTCTATTTGGGGGCAACTTCAATTCCAA-3'
Protein context (NP_955452.3, residues 2149-2169): MKNQGSKKTL[Gly2159Cys]STRRGIDNGR

ClinVar aggregate classification (germline): Uncertain significance (1 of 4 stars; one submission).

Submission:

Ambry Genetics
Classification: Uncertain significance. Last evaluated: 2024-10-18. Review status: criteria provided, single submitter. Criteria: Ambry Variant Classification Scheme 2023. Collection method: clinical testing. Allele origin: germline.
Comment: The p.G2159C variant (also known as c.6475G>T), located in coding exon 21 of the POLQ gene, results from a G to T substitution at nucleotide position 6475. The glycine at codon 2159 is replaced by cysteine, an amino acid with highly dissimilar properties. This amino acid position is conserved. In addition, the in silico prediction for this alteration is inconclusive. Based on the available evidence, the clinical significance of this variant remains unclear.